The following is an entry in ClinVar:

NM_005585.5(SMAD6):c.669G>C (p.Gln223His)

Gene: SMAD6 (SMAD family member 6; plus strand). Cytogenetic location: 15q22.31.
Variant type: single nucleotide variant.
Coding change: c.669G>C on transcript NM_005585.5 (MANE Select); coding-DNA position 669, G replaced by C.
Protein change: p.Gln223His; replaces glutamine 223 with histidine.
Molecular consequence: missense variant. On other transcripts: non-coding transcript variant (1).
Genome position (GRCh38, 1-based): chr15:66,703,927, G>C. VCF-style: chr15-66703927-G-C. GRCh37 (hg19) VCF-style: chr15-66996265-G-C.
Other names: short protein forms Q223H.
Identifiers: ClinVar variation 3666831 (VCV003666831.2).

ClinVar aggregate classification (germline): Uncertain significance (1 of 4 stars; one submission).

Conditions:
Aortic valve disease 2 (AOVD2). Identifiers: MedGen C3542024, MONDO:0013902, OMIM 614823.

gnomAD v4.1: 4 of 1,331,064 alleles (0.0003%); highest among the groups gnomAD compares: East Asian, 0.013%; no homozygotes.

Submission:

Labcorp Genetics (formerly Invitae), Labcorp
Classification: Uncertain significance for Aortic valve disease 2. Last evaluated: 2025-01-21. Review status: criteria provided, single submitter. Criteria: Invitae Variant Classification Sherloc (09022015). Collection method: clinical testing. Allele origin: germline.
Comment: This sequence change replaces glutamine, which is neutral and polar, with histidine, which is basic and polar, at codon 223 of the SMAD6 protein (p.Gln223His). This variant is not present in population databases (gnomAD no frequency). This variant has not been reported in the literature in individuals affected with SMAD6-related conditions. Invitae Evidence Modeling of protein sequence and biophysical properties (such as structural, functional, and spatial information, amino acid conservation, physicochemical variation, residue mobility, and thermodynamic stability) indicates that this missense variant is not expected to disrupt SMAD6 protein function with a negative predictive value of 80%. In summary, the available evidence is currently insufficient to determine the role of this variant in disease. Therefore, it has been classified as a Variant of Uncertain Significance.